The following is an entry in ClinVar:

ClinVar aggregate classification (germline): Uncertain significance. Review status: criteria provided, multiple submitters, no conflicts (2 of 4 stars). 2 submissions from 2 submitters: Uncertain significance (2). Last evaluated 2025-02-10.

Conditions:
Hereditary cancer-predisposing syndrome. Also called: Hereditary Cancer Syndrome; Neoplastic Syndromes, Hereditary; Hereditary neoplastic syndrome; Tumor predisposition. Identifiers: Orphanet 140162, MedGen C0027672, MeSH D009386, MONDO:0015356.
Ataxia-telangiectasia syndrome (AT). Also called: Cerebello-oculocutaneous telangiectasia; Immunodeficiency with ataxia telangiectasia; Ataxia-telangiectasia, complementation group E; Ataxia-telangiectasia, complementation group D; AT, COMPLEMENTATION GROUP C; ATAXIA-TELANGIECTASIA, COMPLEMENTATION GROUP A. Identifiers: Orphanet 100, MedGen C0004135, MONDO:0008840, OMIM 208900.

Allele frequency attached by ClinVar (database versions not stated): gnomAD exomes below 0.00001.
gnomAD v4.1: 2 of 1,612,528 alleles (0.00012%); highest among the groups gnomAD compares: African/African-American, 0.0013%; no homozygotes.

Submissions (2):

Ambry Genetics
Classification: Uncertain significance for Hereditary cancer-predisposing syndrome. Last evaluated: 2025-02-10. Review status: criteria provided, single submitter. Criteria: Ambry Variant Classification Scheme 2023. Collection method: clinical testing. Allele origin: germline.
Comment: The p.N56K variant (also known as c.168T>G), located in coding exon 2 of the ATM gene, results from a T to G substitution at nucleotide position 168. The asparagine at codon 56 is replaced by lysine, an amino acid with similar properties. This amino acid position is not well conserved in available vertebrate species. In addition, this alteration is predicted to be tolerated by in silico analysis. Based on the available evidence, the clinical significance of this variant remains unclear.

Labcorp Genetics (formerly Invitae), Labcorp
Classification: Uncertain significance for Ataxia-telangiectasia syndrome. Last evaluated: 2022-01-05. Review status: criteria provided, single submitter. Criteria: Invitae Variant Classification Sherloc (09022015). Collection method: clinical testing. Allele origin: germline.
Comment: This sequence change replaces asparagine, which is neutral and polar, with lysine, which is basic and polar, at codon 56 of the ATM protein (p.Asn56Lys). This variant is not present in population databases (gnomAD no frequency). This variant has not been reported in the literature in individuals affected with ATM-related conditions. ClinVar contains an entry for this variant (Variation ID: 819853). Advanced modeling of protein sequence and biophysical properties (such as structural, functional, and spatial information, amino acid conservation, physicochemical variation, residue mobility, and thermodynamic stability) performed at Invitae indicates that this missense variant is not expected to disrupt ATM protein function. In summary, the available evidence is currently insufficient to determine the role of this variant in disease. Therefore, it has been classified as a Variant of Uncertain Significance.

NM_000051.4(ATM):c.168T>G (p.Asn56Lys)

Gene: ATM (ATM serine/threonine kinase; plus strand). Cytogenetic location: 11q22.3.
Variant type: single nucleotide variant.
Coding change: c.168T>G on transcript NM_000051.4 (MANE Select); coding-DNA position 168, T replaced by G.
Protein change: p.Asn56Lys; replaces asparagine 56 with lysine.
Molecular consequence: missense variant.
Genome position (GRCh38, 1-based): chr11:108,227,871, T>G. VCF-style: chr11-108227871-T-G. GRCh37 (hg19) VCF-style: chr11-108098598-T-G.
Other names: c.168T>G, p.Asn56Lys (NM_001351834.2, NM_001351835.2, NM_001351836.2); short protein forms N56K.
Identifiers: ClinVar variation 819853 (VCV000819853.7), dbSNP rs1591447362, ClinGen allele CA382520491.